The following is an entry in ClinVar:

ClinVar aggregate classification (germline): Benign/Likely benign. Review status: criteria provided, multiple submitters, no conflicts (2 of 4 stars). 5 submissions from 5 submitters: Benign (2); Likely benign (2). 1 of the submissions does not count toward it. Last evaluated 2026-09-01.

Conditions:
GEMIN4-related disorder. Also called: GEMIN4-related condition.

Allele frequency attached by ClinVar (database versions not stated): gnomAD exomes 0.00037 and 0.00144; 1000 Genomes Project 0.00040; gnomAD 0.00060 and 0.00066; 1000 Genomes Project 30x 0.00062; TOPMed 0.00076; ExAC 0.00096.
gnomAD v4.1: 647 of 1,612,648 alleles (0.04%); highest among the groups gnomAD compares: Admixed American, 0.8%; 9 homozygotes.

Submissions (5):

CeGaT Center for Human Genetics Tuebingen
Classification: Likely benign. Last evaluated: 2026-09-01. Review status: criteria provided, single submitter. Criteria: CeGaT Center For Human Genetics Tuebingen Variant Classification Criteria Version 2. Collection method: clinical testing. Allele origin: germline. Affected: yes. Observed: 6 variant alleles.
Comment: GEMIN4: BP4, BP7

Blueprint Genetics
Classification: Likely benign. Last evaluated: 2024-11-19. Review status: criteria provided, single submitter. Criteria: ACMG Guidelines, 2015. Collection method: clinical testing. Allele origin: germline.

Labcorp Genetics (formerly Invitae), Labcorp
Classification: Benign. Last evaluated: 2019-12-31. Review status: criteria provided, single submitter. Criteria: Invitae Variant Classification Sherloc (09022015). Collection method: clinical testing. Allele origin: germline.

Breakthrough Genomics
Classification: Benign. Review status: criteria provided, single submitter. Criteria: ACMG Guidelines, 2015. Collection method: not provided. Allele origin: germline. Inheritance: Autosomal recessive inheritance. Affected: yes.

PreventionGenetics, part of Exact Sciences
Classification: Benign for GEMIN4-related condition. Last evaluated: 2019-07-31. Review status: no assertion criteria provided. Collection method: clinical testing. Allele origin: germline. Not counted in ClinVar's aggregate classification.
Comment: This variant is classified as benign based on ACMG/AMP sequence variant interpretation guidelines (Richards et al. 2015 PMID: 25741868, with internal and published modifications).

NM_015721.3(GEMIN4):c.1047C>T (p.Cys349=)

Gene: GEMIN4 (gem nuclear organelle associated protein 4; minus strand). Cytogenetic location: 17p13.3.
Variant type: single nucleotide variant.
Coding change: c.1047C>T on transcript NM_015721.3 (MANE Select); coding-DNA position 1047, C replaced by T.
Protein change: p.Cys349=; no amino-acid change (cysteine 349 retained).
Molecular consequence: synonymous variant.
Genome position (GRCh38, 1-based): chr17:746,996, G>A on the plus strand (C>T on the coding strand, the complement: GEMIN4 is on the minus strand). VCF-style: chr17-746996-G-A. GRCh37 (hg19) VCF-style: chr17-650236-G-A.
Identifiers: ClinVar variation 770260 (VCV000770260.18), dbSNP rs201463934, ClinGen allele CA8262732.
Genomic context (GRCh38, chr17:746,996, plus strand): 5'-GGACAGGCTGGTGCGGTTCAGGTAGAGCGTCGCGTTCTGGCTGAAGGAAGTCAGACTGTC[G>A]CACAGCCGGTAGCTGTCGTAACTTGTCCCCTGGCTGCTGCGGAGCACGGCCTGCAACTCC-3'
Protein context (NP_056536.2, residues 339-359): QGTSYDSYRL[Cys349=]DSLTSFSQNA